The following is an entry in ClinVar:

NM_006659.4(TUBGCP2):c.564C>T (p.Ile188=)

Gene: TUBGCP2 (tubulin gamma complex component 2; minus strand). Cytogenetic location: 10q26.3.
Variant type: single nucleotide variant.
Coding change: c.564C>T on transcript NM_006659.4 (MANE Select); coding-DNA position 564, C replaced by T.
Protein change: p.Ile188=; no amino-acid change (isoleucine 188 retained).
Molecular consequence: synonymous variant. On other transcripts: non-coding transcript variant (1).
Genome position (GRCh38, 1-based): chr10:133,298,004, G>A on the plus strand (C>T on the coding strand, the complement: TUBGCP2 is on the minus strand). VCF-style: chr10-133298004-G-A. GRCh37 (hg19) VCF-style: chr10-135111508-G-A.
Other names: c.564C>T, p.Ile188= (NM_001256617.2); c.174C>T, p.Ile58= (NM_001256618.2).
Identifiers: ClinVar variation 2641027 (VCV002641027.24), dbSNP rs556516294, ClinGen allele CA5764461.
Genomic context (GRCh38, chr10:133,298,004, plus strand): 5'-TCACGTACCTATCGGCAAAGCGGTGTCTGTGCTGATGCCAGCACCAATCAGGAAATCCCC[G>A]ATCAGGGCAGGTCTCTCATACACCCATGCTGGGAAGATGGGGAGGTGCTGGCCTGAATTT-3'
Protein context (NP_006650.1, residues 178-198): PAWVYERPAL[Ile188=]GDFLIGAGIS

ClinVar aggregate classification (germline): Likely benign (1 of 4 stars; one submission).

Allele frequency attached by ClinVar (database versions not stated): TOPMed 0.00001; gnomAD exomes 0.00002.
gnomAD v4.1: 29 of 1,613,922 alleles (0.0018%); highest among the groups gnomAD compares: Middle Eastern, 0.033%; no homozygotes.

Submission:

CeGaT Center for Human Genetics Tuebingen
Classification: Likely benign. Last evaluated: 2023-10-01. Review status: criteria provided, single submitter. Criteria: CeGaT Center For Human Genetics Tuebingen Variant Classification Criteria Version 2. Collection method: clinical testing. Allele origin: germline. Affected: yes. Observed: 1 variant allele.
Comment: TUBGCP2: BP4, BP7